The following is an entry in ClinVar:

NM_020975.6(RET):c.1477T>G (p.Ser493Ala)

Gene: RET (ret proto-oncogene; plus strand). Cytogenetic location: 10q11.21.
Variant type: single nucleotide variant.
Coding change: c.1477T>G on transcript NM_020975.6 (MANE Select); coding-DNA position 1477, T replaced by G.
Protein change: p.Ser493Ala; replaces serine 493 with alanine.
Molecular consequence: missense variant. On other transcripts: intron variant (15).
Genome position (GRCh38, 1-based): chr10:43,111,420, T>G. VCF-style: chr10-43111420-T-G. GRCh37 (hg19) VCF-style: chr10-43606868-T-G.
Other names: c.1477T>G, p.Ser493Ala (NM_000323.2, NM_001406743.1, NM_001406744.1 and 6 more transcripts); c.715T>G, p.Ser239Ala (NM_001355216.2); c.1348T>G, p.Ser450Ala (NM_001406761.1, NM_001406762.1, NM_001406764.1 and 1 more transcripts); c.1189T>G, p.Ser397Ala (NM_001406766.1, NM_001406767.1, NM_001406770.1); c.487T>G, p.Ser163Ala (NM_001406784.1); c.626-679T>G (NM_001406782.1, NM_001406780.1, NM_001406779.1 and 3 more transcripts); c.497-679T>G (NM_001406786.1, NM_001406783.1); c.338-679T>G (NM_001406790.1, NM_001406788.1, NM_001406789.1 and 1 more transcripts); and 5 more; short protein forms S163A, S239A, S347A, S397A, S493A, S251A, S318A, S361A.
Identifiers: ClinVar variation 2454146 (VCV002454146.6), dbSNP rs780467203, ClinGen allele CA376549849.

ClinVar aggregate classification (germline): Conflicting classifications of pathogenicity. Review status: criteria provided, conflicting classifications (1 of 4 stars). 2 submissions from 2 submitters: Uncertain significance (1); Likely benign (1). Last evaluated 2026-08-10.

Conditions:
Multiple endocrine neoplasia, type 2 (MEN2). Identifiers: Orphanet 653, MedGen C4048306, MONDO:0019003. Disease mechanism: gain of function.
Hereditary cancer-predisposing syndrome. Also called: Hereditary Cancer Syndrome; Hereditary neoplastic syndrome; Neoplastic Syndromes, Hereditary; Tumor predisposition. Identifiers: Orphanet 140162, MedGen C0027672, MeSH D009386, MONDO:0015356.

Submissions (2):

Ambry Genetics
Classification: Likely benign for Hereditary cancer-predisposing syndrome. Last evaluated: 2026-08-10. Review status: criteria provided, single submitter. Criteria: Ambry Variant Classification Scheme 2023. Collection method: clinical testing. Allele origin: germline.

Labcorp Genetics (formerly Invitae), Labcorp
Classification: Uncertain significance for Multiple endocrine neoplasia, type 2. Last evaluated: 2024-01-19. Review status: criteria provided, single submitter. Criteria: Invitae Variant Classification Sherloc (09022015). Collection method: clinical testing. Allele origin: germline.
Comment: This sequence change replaces serine, which is neutral and polar, with alanine, which is neutral and non-polar, at codon 493 of the RET protein (p.Ser493Ala). This variant is not present in population databases (gnomAD no frequency). This variant has not been reported in the literature in individuals affected with RET-related conditions. ClinVar contains an entry for this variant (Variation ID: 2454146). An algorithm developed to predict the effect of missense changes on protein structure and function (PolyPhen-2) suggests that this variant is likely to be tolerated. In summary, the available evidence is currently insufficient to determine the role of this variant in disease. Therefore, it has been classified as a Variant of Uncertain Significance.